The following is an entry in ClinVar:

ClinVar aggregate classification (germline): Pathogenic. Review status: criteria provided, multiple submitters, no conflicts (2 of 4 stars). 3 submissions from 3 submitters: Pathogenic (3). Last evaluated 2025-09-16.

Conditions:
Hereditary cancer-predisposing syndrome. Also called: Hereditary neoplastic syndrome; Neoplastic Syndromes, Hereditary; Tumor predisposition; Hereditary Cancer Syndrome. Identifiers: Orphanet 140162, MedGen C0027672, MeSH D009386, MONDO:0015356.
Hereditary breast ovarian cancer syndrome. Also called: Hereditary breast and/or ovarian cancer syndrome; Hereditary breast and ovarian cancer syndrome; Hereditary breast and ovarian cancer; Hereditary breast and ovarian cancer syndrome (HBOC); Breast and ovarian cancer; BRCA1- and BRCA2-Associated Hereditary Breast and Ovarian Cancer. Identifiers: Orphanet 145, MedGen C0677776, MeSH D061325, MONDO:0003582. Disease mechanism: loss of function.

Submissions (3):

Quest Diagnostics Nichols Institute San Juan Capistrano
Classification: Pathogenic. Last evaluated: 2025-09-16. Review status: criteria provided, single submitter. Criteria: Quest Diagnostics criteria. Collection method: clinical testing. Allele origin: unknown.
Comment: The BRCA2 c.2823del (p.Ser942Glnfs*18) variant alters the translational reading frame of the BRCA2 mRNA and causes the premature termination of BRCA2 protein synthesis. This variant has not been reported in individuals with BRCA2-related conditions in the published literature. This variant has not been reported in large, multi-ethnic general populations (Genome Aggregation Database). Based on the available information, this variant is classified as pathogenic.

Ambry Genetics
Classification: Pathogenic for Hereditary cancer-predisposing syndrome. Last evaluated: 2025-02-18. Review status: criteria provided, single submitter. Criteria: Ambry Variant Classification Scheme 2023. Collection method: clinical testing. Allele origin: germline.
Comment: The c.2823delG pathogenic mutation, located in coding exon 10 of the BRCA2 gene, results from a deletion of one nucleotide at nucleotide position 2823, causing a translational frameshift with a predicted alternate stop codon (p.S942Qfs*18). This alteration is expected to result in loss of function by premature protein truncation or nonsense-mediated mRNA decay. As such, this alteration is interpreted as a disease-causing mutation.

Labcorp Genetics (formerly Invitae), Labcorp
Classification: Pathogenic for Hereditary breast ovarian cancer syndrome. Last evaluated: 2022-05-09. Review status: criteria provided, single submitter. Criteria: Invitae Variant Classification Sherloc (09022015). Collection method: clinical testing. Allele origin: germline.
Comment: For these reasons, this variant has been classified as Pathogenic. This variant has not been reported in the literature in individuals affected with BRCA2-related conditions. This variant is not present in population databases (gnomAD no frequency). This sequence change creates a premature translational stop signal (p.Ser942Glnfs*18) in the BRCA2 gene. It is expected to result in an absent or disrupted protein product. Loss-of-function variants in BRCA2 are known to be pathogenic (PMID: 20104584).

Literature cited by the submitters: PubMed 20104584 (cited by Quest Diagnostics Nichols Institute San Juan Capistrano and Labcorp Genetics (formerly Invitae), Labcorp).

NM_000059.4(BRCA2):c.2823del (p.Ser942fs)

Gene: BRCA2 (BRCA2 DNA repair associated; plus strand). Cytogenetic location: 13q13.1.
Variant type: Deletion.
Coding change: c.2823del on transcript NM_000059.4 (MANE Select); coding-DNA position 2823, one base deleted (G; older notation c.2823delG).
Protein change: p.Ser942fs; shifts the reading frame from serine 942.
Molecular consequence: frameshift variant.
Genome position (GRCh38, 1-based): chr13:32,337,178, G deleted. VCF-style (leftmost placement, unchanged base first): chr13-32337177-TG-T. GRCh37 (hg19) VCF-style: chr13-32911314-TG-T.
Other names: c.2823delG, p.Ser942Glnfs (NM_000059.3, NM_001406719.1, NM_001406720.1); c.2823del (NM_000059.3); short protein forms S942fs.
Identifiers: ClinVar variation 2098804 (VCV002098804.6), dbSNP rs1566227320, ClinGen allele CA919242603.